The following is an entry in ClinVar:

NM_024649.5(BBS1):c.818A>G (p.Tyr273Cys)

Genes: BBS1 (Bardet-Biedl syndrome 1; plus strand), ZDHHC24 (zDHHC palmitoyltransferase 24; minus strand). Cytogenetic location: 11q13.2.
Variant type: single nucleotide variant.
Coding change: c.818A>G on transcript NM_024649.5 (MANE Select); coding-DNA position 818, A replaced by G.
Protein change: p.Tyr273Cys; replaces tyrosine 273 with cysteine.
Molecular consequence: missense variant. On other transcripts: 3 prime UTR variant (1).
Genome position (GRCh38, 1-based): chr11:66,521,364, A>G. VCF-style: chr11-66521364-A-G. GRCh37 (hg19) VCF-style: chr11-66288835-A-G.
Other names: c.*124T>C (NM_001348571.2); short protein forms Y273C.
Identifiers: ClinVar variation 1407827 (VCV001407827.5), dbSNP rs765732035, ClinGen allele CA6123504.

ClinVar aggregate classification (germline): Uncertain significance. Review status: criteria provided, multiple submitters, no conflicts (2 of 4 stars). 2 submissions from 2 submitters: Uncertain significance (2). Last evaluated 2026-04-13.

Conditions:
BBS1-related disorder. Also called: BBS1-related condition.
Bardet-Biedl syndrome (BBS). Identifiers: Orphanet 110, MedGen C0752166, MONDO:0015229.

Allele frequency attached by ClinVar (database versions not stated): gnomAD 0.00001; ExAC 0.00002; TOPMed 0.00001; gnomAD exomes 0.00002.
gnomAD v4.1: 28 of 1,614,000 alleles (0.0017%); highest among the groups gnomAD compares: South Asian, 0.0033%; no homozygotes.

Submissions (2):

PreventionGenetics, part of Exact Sciences
Classification: Uncertain significance for BBS1-related condition. Last evaluated: 2026-04-13. Review status: criteria provided, single submitter. Criteria: ACMG Guidelines, 2015. Collection method: clinical testing. Allele origin: germline.
Comment: The BBS1 c.818A>G variant is predicted to result in the amino acid substitution p.Tyr273Cys. To our knowledge, this variant has not been reported in the literature. This variant is reported in 0.0065% of alleles in individuals of South Asian descent in gnomAD. At this time, the clinical significance of this variant is uncertain due to the absence of conclusive functional and genetic evidence.

Labcorp Genetics (formerly Invitae), Labcorp
Classification: Uncertain significance for Bardet-Biedl syndrome. Last evaluated: 2022-08-10. Review status: criteria provided, single submitter. Criteria: Invitae Variant Classification Sherloc (09022015). Collection method: clinical testing. Allele origin: germline.
Comment: This sequence change replaces tyrosine, which is neutral and polar, with cysteine, which is neutral and slightly polar, at codon 273 of the BBS1 protein (p.Tyr273Cys). This variant is present in population databases (rs765732035, gnomAD 0.006%). This variant has not been reported in the literature in individuals affected with BBS1-related conditions. ClinVar contains an entry for this variant (Variation ID: 1407827). Algorithms developed to predict the effect of missense changes on protein structure and function (SIFT, PolyPhen-2, Align-GVGD) all suggest that this variant is likely to be tolerated. In summary, the available evidence is currently insufficient to determine the role of this variant in disease. Therefore, it has been classified as a Variant of Uncertain Significance.